The following is an entry in ClinVar:

ClinVar aggregate classification (germline): Uncertain significance. Review status: criteria provided, multiple submitters, no conflicts (2 of 4 stars). 2 submissions from 2 submitters: Uncertain significance (2). Last evaluated 2023-01-16.

Conditions:
Hereditary cancer-predisposing syndrome. Also called: Neoplastic Syndromes, Hereditary; Tumor predisposition; Hereditary Cancer Syndrome; Hereditary neoplastic syndrome. Identifiers: Orphanet 140162, MedGen C0027672, MeSH D009386, MONDO:0015356.
Familial cancer of breast. Also called: Hereditary breast cancer; BREAST CANCER, FAMILIAL; hereditary breast carcinoma. Identifiers: Orphanet 227535, MedGen C0346153, MONDO:0016419, OMIM 114480. Disease mechanism: loss of function.

Submissions (2):

Labcorp Genetics (formerly Invitae), Labcorp
Classification: Uncertain significance for Familial cancer of breast. Last evaluated: 2023-01-16. Review status: criteria provided, single submitter. Criteria: Invitae Variant Classification Sherloc (09022015). Collection method: clinical testing. Allele origin: germline.
Comment: In summary, the available evidence is currently insufficient to determine the role of this variant in disease. Therefore, it has been classified as a Variant of Uncertain Significance. Algorithms developed to predict the effect of missense changes on protein structure and function output the following: SIFT: "Tolerated"; PolyPhen-2: "Benign"; Align-GVGD: "Class C0". The serine amino acid residue is found in multiple mammalian species, which suggests that this missense change does not adversely affect protein function. ClinVar contains an entry for this variant (Variation ID: 1757961). This variant has not been reported in the literature in individuals affected with BARD1-related conditions. This variant is not present in population databases (gnomAD no frequency). This sequence change replaces phenylalanine, which is neutral and non-polar, with serine, which is neutral and polar, at codon 242 of the BARD1 protein (p.Phe242Ser).

Ambry Genetics
Classification: Uncertain significance for Hereditary cancer-predisposing syndrome. Last evaluated: 2022-04-21. Review status: criteria provided, single submitter. Criteria: Ambry Variant Classification Scheme 2023. Collection method: clinical testing. Allele origin: germline.
Comment: The p.F242S variant (also known as c.725T>C), located in coding exon 4 of the BARD1 gene, results from a T to C substitution at nucleotide position 725. The phenylalanine at codon 242 is replaced by serine, an amino acid with highly dissimilar properties. This amino acid position is conserved. In addition, this alteration is predicted to be tolerated by in silico analysis. Since supporting evidence is limited at this time, the clinical significance of this alteration remains unclear.

NM_000465.4(BARD1):c.725T>C (p.Phe242Ser)

Gene: BARD1 (BRCA1 associated RING domain 1; minus strand). Cytogenetic location: 2q35.
Variant type: single nucleotide variant.
Coding change: c.725T>C on transcript NM_000465.4 (MANE Select); coding-DNA position 725, T replaced by C.
Protein change: p.Phe242Ser; replaces phenylalanine 242 with serine.
Molecular consequence: missense variant. On other transcripts: non-coding transcript variant (2), intron variant (3).
Genome position (GRCh38, 1-based): chr2:214,781,149, A>G on the plus strand (T>C on the coding strand, the complement: BARD1 is on the minus strand). VCF-style: chr2-214781149-A-G. GRCh37 (hg19) VCF-style: chr2-215645873-A-G.
Other names: c.668T>C, p.Phe223Ser (NM_001282543.2); c.158+28263T>C (NM_001282548.2); c.215+15912T>C (NM_001282545.2); c.364+11148T>C (NM_001282549.2); short protein forms F223S, F242S.
Identifiers: ClinVar variation 1757961 (VCV001757961.5), dbSNP rs1354702896, ClinGen allele CA350456236.